The following is an entry in ClinVar:

NM_013386.5(SLC25A24):c.1072G>A (p.Ala358Thr)

Gene: SLC25A24 (solute carrier family 25 member 24; minus strand). Cytogenetic location: 1p13.3.
Variant type: single nucleotide variant.
Coding change: c.1072G>A on transcript NM_013386.5 (MANE Select); coding-DNA position 1072, G replaced by A.
Protein change: p.Ala358Thr; replaces alanine 358 with threonine.
Molecular consequence: missense variant.
Genome position (GRCh38, 1-based): chr1:108,143,569, C>T on the plus strand (G>A on the coding strand, the complement: SLC25A24 is on the minus strand). VCF-style: chr1-108143569-C-T. GRCh37 (hg19) VCF-style: chr1-108686191-C-T.
Other names: c.1015G>A, p.Ala339Thr (NM_213651.3); short protein forms A358T, A339T.
Identifiers: ClinVar variation 2179023 (VCV002179023.3), dbSNP rs757904663, ClinGen allele CA979115.
Genomic context (GRCh38, chr1:108,143,569, plus strand): 5'-CATTTTCCAATTCAAAAGATTTCTACAAACTCACCTCATACACAGCAAGATCTATGCCTG[C>T]ATAAGGTATGATACCTAATAAATTGGGAACATAGCCTTTGTAAAAAGCTCCCAAGCCTTC-3'
Protein context (NP_037518.3, residues 348-368): VPNLLGIIPY[Ala358Thr]GIDLAVYELL

ClinVar aggregate classification (germline): Uncertain significance (1 of 4 stars; one submission).

Allele frequency attached by ClinVar (database versions not stated): ExAC 0.00001; gnomAD 0.00001; gnomAD exomes 0.00001.
gnomAD v4.1: 16 of 1,612,978 alleles (0.00099%); highest among the groups gnomAD compares: Non-Finnish European, 0.0013%; no homozygotes.

Submission:

Labcorp Genetics (formerly Invitae), Labcorp
Classification: Uncertain significance. Last evaluated: 2024-05-29. Review status: criteria provided, single submitter. Criteria: Invitae Variant Classification Sherloc (09022015). Collection method: clinical testing. Allele origin: germline.
Comment: This sequence change replaces alanine, which is neutral and non-polar, with threonine, which is neutral and polar, at codon 358 of the SLC25A24 protein (p.Ala358Thr). This variant is present in population databases (rs757904663, gnomAD 0.002%). This variant has not been reported in the literature in individuals affected with SLC25A24-related conditions. ClinVar contains an entry for this variant (Variation ID: 2179023). Advanced modeling of protein sequence and biophysical properties (such as structural, functional, and spatial information, amino acid conservation, physicochemical variation, residue mobility, and thermodynamic stability) has been performed at Invitae for this missense variant, however the output from this modeling did not meet the statistical confidence thresholds required to predict the impact of this variant on SLC25A24 protein function. In summary, the available evidence is currently insufficient to determine the role of this variant in disease. Therefore, it has been classified as a Variant of Uncertain Significance.